The following is an entry in ClinVar:

ClinVar aggregate classification (germline): Uncertain significance (1 of 4 stars; one submission).

Allele frequency attached by ClinVar (database versions not stated): TOPMed below 0.00001.
gnomAD v4.1: 2 of 1,611,724 alleles (0.00012%); highest among the groups gnomAD compares: South Asian, 0.0011%; no homozygotes.

Submission:

Labcorp Genetics (formerly Invitae), Labcorp
Classification: Uncertain significance. Last evaluated: 2022-07-24. Review status: criteria provided, single submitter. Criteria: Invitae Variant Classification Sherloc (09022015). Collection method: clinical testing. Allele origin: germline.
Comment: In summary, the available evidence is currently insufficient to determine the role of this variant in disease. Therefore, it has been classified as a Variant of Uncertain Significance. Algorithms developed to predict the effect of missense changes on protein structure and function are either unavailable or do not agree on the potential impact of this missense change (SIFT: "Deleterious"; PolyPhen-2: "Possibly Damaging"; Align-GVGD: "Class C0"). This variant has not been reported in the literature in individuals affected with TBXA2R-related conditions. This variant is not present in population databases (gnomAD no frequency). This sequence change replaces alanine, which is neutral and non-polar, with threonine, which is neutral and polar, at codon 31 of the TBXA2R protein (p.Ala31Thr).

NM_001060.6(TBXA2R):c.91G>A (p.Ala31Thr)

Gene: TBXA2R (thromboxane A2 receptor; minus strand). Cytogenetic location: 19p13.3.
Variant type: single nucleotide variant.
Coding change: c.91G>A on transcript NM_001060.6 (MANE Select); coding-DNA position 91, G replaced by A.
Protein change: p.Ala31Thr; replaces alanine 31 with threonine.
Molecular consequence: missense variant.
Genome position (GRCh38, 1-based): chr19:3,600,544, C>T on the plus strand (G>A on the coding strand, the complement: TBXA2R is on the minus strand). VCF-style: chr19-3600544-C-T. GRCh37 (hg19) VCF-style: chr19-3600542-C-T.
Other names: c.91G>A, p.Ala31Thr (NM_201636.3); short protein forms A31T.
Identifiers: ClinVar variation 2019423 (VCV002019423.4), dbSNP rs201738444, ClinGen allele CA304368945.